The following is an entry in ClinVar:

NM_004260.4(RECQL4):c.1513G>A (p.Gly505Ser)

Gene: RECQL4 (RecQ like helicase 4; minus strand). Cytogenetic location: 8q24.3.
Variant type: single nucleotide variant.
Coding change: c.1513G>A on transcript NM_004260.4 (MANE Select); coding-DNA position 1513, G replaced by A.
Protein change: p.Gly505Ser; replaces glycine 505 with serine.
Molecular consequence: missense variant.
Genome position (GRCh38, 1-based): chr8:144,515,043, C>T on the plus strand (G>A on the coding strand, the complement: RECQL4 is on the minus strand). VCF-style: chr8-144515043-C-T. GRCh37 (hg19) VCF-style: chr8-145740427-C-T.
Other names: short protein forms G505S.
Identifiers: ClinVar variation 661425 (VCV000661425.6), dbSNP rs1586815330, ClinGen allele CA372684144.

ClinVar aggregate classification (germline): Uncertain significance. Review status: criteria provided, multiple submitters, no conflicts (2 of 4 stars). 2 submissions from 2 submitters: Uncertain significance (2). Last evaluated 2026-02-16.

Conditions:
Inborn genetic diseases. Identifiers: MedGen C0950123, MeSH D030342.
Baller-Gerold syndrome (BGS). Also called: CRANIOSYNOSTOSIS WITH RADIAL DEFECTS. Identifiers: Orphanet 1225, MedGen C0265308, MONDO:0009039, OMIM 218600.

Allele frequency attached by ClinVar (database versions not stated): gnomAD 0.00001; TOPMed 0.00001; gnomAD exomes below 0.00001.

Submissions (2):

Ambry Genetics
Classification: Uncertain significance for Inborn genetic diseases. Last evaluated: 2026-02-16. Review status: criteria provided, single submitter. Criteria: Ambry Variant Classification Scheme 2023. Collection method: clinical testing. Allele origin: germline.
Comment: The p.G505S variant (also known as c.1513G>A), located in coding exon 9 of the RECQL4 gene, results from a G to A substitution at nucleotide position 1513. The glycine at codon 505 is replaced by serine, an amino acid with similar properties. This amino acid position is conserved. In addition, this alteration is predicted to be deleterious by in silico analysis. Based on the available evidence, the clinical significance of this variant remains unclear.

Labcorp Genetics (formerly Invitae), Labcorp
Classification: Uncertain significance for Baller-Gerold syndrome. Last evaluated: 2022-11-15. Review status: criteria provided, single submitter. Criteria: Invitae Variant Classification Sherloc (09022015). Collection method: clinical testing. Allele origin: germline.
Comment: In summary, the available evidence is currently insufficient to determine the role of this variant in disease. Therefore, it has been classified as a Variant of Uncertain Significance. Algorithms developed to predict the effect of sequence changes on RNA splicing suggest that this variant may disrupt the consensus splice site. Advanced modeling of protein sequence and biophysical properties (such as structural, functional, and spatial information, amino acid conservation, physicochemical variation, residue mobility, and thermodynamic stability) performed at Invitae indicates that this missense variant is expected to disrupt RECQL4 protein function. ClinVar contains an entry for this variant (Variation ID: 661425). This variant has not been reported in the literature in individuals affected with RECQL4-related conditions. This variant is not present in population databases (gnomAD no frequency). This sequence change replaces glycine, which is neutral and non-polar, with serine, which is neutral and polar, at codon 505 of the RECQL4 protein (p.Gly505Ser).